The following is an entry in ClinVar:

ClinVar aggregate classification (germline): Uncertain significance (1 of 4 stars; one submission).

Conditions:
Hypertrophic cardiomyopathy. Also called: HYPERTROPHIC MYOCARDIOPATHY. Identifiers: Orphanet 217569, MedGen C0007194, MeSH D002312, MONDO:0005045, HP:0001639.

Submission:

Labcorp Genetics (formerly Invitae), Labcorp
Classification: Uncertain significance for Hypertrophic cardiomyopathy. Last evaluated: 2025-02-24. Review status: criteria provided, single submitter. Criteria: Invitae Variant Classification Sherloc (09022015). Collection method: clinical testing. Allele origin: germline.
Comment: This sequence change replaces serine, which is neutral and polar, with arginine, which is basic and polar, at codon 1207 of the MYBPC3 protein (p.Ser1207Arg). This variant is not present in population databases (gnomAD no frequency). This variant has not been reported in the literature in individuals affected with MYBPC3-related conditions. An algorithm developed to predict the effect of missense changes on protein structure and function (PolyPhen-2) suggests that this variant is likely to be tolerated. In summary, the available evidence is currently insufficient to determine the role of this variant in disease. Therefore, it has been classified as a Variant of Uncertain Significance.

NM_000256.3(MYBPC3):c.3621C>A (p.Ser1207Arg)

Gene: MYBPC3 (myosin binding protein C3; minus strand). Cytogenetic location: 11p11.2.
Variant type: single nucleotide variant.
Coding change: c.3621C>A on transcript NM_000256.3 (MANE Select); coding-DNA position 3621, C replaced by A.
Protein change: p.Ser1207Arg; replaces serine 1207 with arginine.
Molecular consequence: missense variant.
Genome position (GRCh38, 1-based): chr11:47,332,572, G>T on the plus strand (C>A on the coding strand, the complement: MYBPC3 is on the minus strand). VCF-style: chr11-47332572-G-T. GRCh37 (hg19) VCF-style: chr11-47354123-G-T.
Other names: short protein forms S1207R.
Identifiers: ClinVar variation 3634973 (VCV003634973.2).